The following is an entry in ClinVar:

NM_001195248.2(APTX):c.506_507insCTGG (p.Gln169fs)

Gene: APTX (aprataxin; minus strand). Cytogenetic location: 9p21.1.
Variant type: Insertion.
Coding change: c.506_507insCTGG on transcript NM_001195248.2 (MANE Select); coding-DNA positions 506 to 507, CTGG inserted.
Protein change: p.Gln169fs; shifts the reading frame from glutamine 169.
Molecular consequence: frameshift variant. On other transcripts: non-coding transcript variant (13).
Genome position: GRCh38 VCF-style: chr9-32986007-T-TCCAG. GRCh37 (hg19) VCF-style: chr9-32986005-T-TCCAG.
Other names: c.506_507insCTGG, p.Gln169fs (NM_001195249.2, NM_001195251.2, NM_001368995.1 and 6 more transcripts); c.344_345insCTGG, p.Gln115fs (NM_001195250.2, NM_001195254.2, NM_001369000.1 and 1 more transcripts); c.290_291insCTGG, p.Gln97fs (NM_001195252.2); c.242_243insCTGG, p.Gln81fs (NM_001369002.1, NM_001369003.1, NM_001369004.1 and 5 more transcripts); short protein forms Q115fs, Q169fs, Q81fs, Q97fs.
Identifiers: ClinVar variation 804534 (VCV000804534.1), dbSNP rs1587449274, ClinGen allele CA915947456.

ClinVar aggregate classification (germline): Likely pathogenic (1 of 4 stars; one submission).

Allele frequency attached by ClinVar (database versions not stated): TOPMed below 0.00001.

Submission:

Athena Diagnostics
Classification: Likely pathogenic. Last evaluated: 2018-12-28. Review status: criteria provided, single submitter. Criteria: Athena Diagnostics Criteria. Collection method: clinical testing. Allele origin: germline.
Comment: The variant results in a shift of the reading frame, and is therefore predicted to result in the loss of a functional protein. Not found in the total gnomAD dataset, and the data is high quality (0/258312 chr).